The following is an entry in ClinVar:

NM_001184.4(ATR):c.3904C>T (p.His1302Tyr)

Gene: ATR (ATR checkpoint kinase; minus strand). Cytogenetic location: 3q23.
Variant type: single nucleotide variant.
Coding change: c.3904C>T on transcript NM_001184.4 (MANE Select); coding-DNA position 3904, C replaced by T.
Protein change: p.His1302Tyr; replaces histidine 1302 with tyrosine.
Molecular consequence: missense variant.
Genome position (GRCh38, 1-based): chr3:142,535,121, G>A on the plus strand (C>T on the coding strand, the complement: ATR is on the minus strand). VCF-style: chr3-142535121-G-A. GRCh37 (hg19) VCF-style: chr3-142253963-G-A.
Other names: c.3712C>T, p.His1238Tyr (NM_001354579.2); short protein forms H1238Y, H1302Y.
Identifiers: ClinVar variation 1736049 (VCV001736049.3), dbSNP rs2033806480, ClinGen allele CA354806028.

ClinVar aggregate classification (germline): Uncertain significance (1 of 4 stars; one submission).

Conditions:
Inborn genetic diseases. Identifiers: MedGen C0950123, MeSH D030342.

Allele frequency attached by ClinVar (database versions not stated): gnomAD exomes below 0.00001; TOPMed below 0.00001.
gnomAD v4.1: 1 of 1,613,070 alleles (0.000062%); highest among the groups gnomAD compares: Non-Finnish European, 0.000085%; no homozygotes.

Submission:

Ambry Genetics
Classification: Uncertain significance for Inborn genetic diseases. Last evaluated: 2024-06-22. Review status: criteria provided, single submitter. Criteria: Ambry Variant Classification Scheme 2023. Collection method: clinical testing. Allele origin: germline.
Comment: The p.H1302Y variant (also known as c.3904C>T), located in coding exon 21 of the ATR gene, results from a C to T substitution at nucleotide position 3904. The histidine at codon 1302 is replaced by tyrosine, an amino acid with similar properties. This amino acid position is conserved. In addition, this alteration is predicted to be tolerated by in silico analysis. Since supporting evidence is limited at this time, the clinical significance of this alteration remains unclear.